The following is an entry in ClinVar:

ClinVar aggregate classification (germline): Likely benign. Review status: criteria provided, multiple submitters, no conflicts (2 of 4 stars). 3 submissions from 3 submitters: Likely benign (3). Last evaluated 2026-01-22.

Conditions:
Congenital myotonia, autosomal recessive form. Also called: BECKER DISEASE; myotonia congenita, autosomal recessive; Becker Generalized Myotonia. Identifiers: Orphanet 614, MedGen C0751360, MONDO:0009715, OMIM 255700.
Congenital myotonia, autosomal dominant form (THD). Also called: THOMSEN DISEASE; Myotonia congenita autosomal dominant. Identifiers: Orphanet 614, MedGen C2936781, MONDO:0008055, OMIM 160800.

Allele frequency attached by ClinVar (database versions not stated): gnomAD exomes below 0.00001.
gnomAD v4.1: 2 of 1,597,020 alleles (0.00013%); highest among the groups gnomAD compares: Non-Finnish European, 0.00017%; no homozygotes.

Submissions (3):

Labcorp Genetics (formerly Invitae), Labcorp
Classification: Likely benign for Congenital myotonia, autosomal recessive form; Congenital myotonia, autosomal dominant form. Last evaluated: 2026-01-22. Review status: criteria provided, single submitter. Criteria: Invitae Variant Classification Sherloc (09022015). Collection method: clinical testing. Allele origin: germline.

Women's Health and Genetics/Laboratory Corporation of America, LabCorp
Classification: Likely benign. Last evaluated: 2023-09-08. Review status: criteria provided, single submitter. Criteria: LabCorp Variant Classification Summary - May 2015. Collection method: clinical testing. Allele origin: germline.
Comment: Variant summary: CLCN1 c.853+19C>A alters a non-conserved nucleotide located at a position not widely known to affect splicing. Consensus agreement among computational tools predict no significant impact on normal splicing. However, these predictions have yet to be confirmed by functional studies. The variant allele was found at a frequency of 8e-06 in 251326 control chromosomes (gnomAD). The available data on variant occurrences in the general population are insufficient to allow any conclusion about variant significance. To our knowledge, no occurrence of c.853+19C>A in individuals affected with Congenital Myotonia, Autosomal Recessive Form and no experimental evidence demonstrating its impact on protein function have been reported. One ClinVar submitter has assessed the variant since 2014, and classified the variant as likely benign. Based on the evidence outlined above, the variant was classified as likely benign.

Blueprint Genetics
Classification: Likely benign. Last evaluated: 2023-03-31. Review status: criteria provided, single submitter. Criteria: ACMG Guidelines, 2015. Collection method: clinical testing. Allele origin: germline.

NM_000083.3(CLCN1):c.853+19C>A

Gene: CLCN1 (chloride voltage-gated channel 1; plus strand). Cytogenetic location: 7q34.
Variant type: single nucleotide variant.
Coding change: c.853+19C>A on transcript NM_000083.3 (MANE Select); 19 bases into the intron after coding-DNA position 853, C replaced by A.
Molecular consequence: intron variant.
Genome position (GRCh38, 1-based): chr7:143,324,511, C>A. VCF-style: chr7-143324511-C-A. GRCh37 (hg19) VCF-style: chr7-143021604-C-A.
Other names: c.853+19C>A (NM_000083.2).
Identifiers: ClinVar variation 1666699 (VCV001666699.9), dbSNP rs748877906, ClinGen allele CA4537139.